The following is an entry in ClinVar:

ClinVar aggregate classification (germline): Likely benign. Review status: criteria provided, multiple submitters, no conflicts (2 of 4 stars). 4 submissions from 4 submitters: Likely benign (4). Last evaluated 2026-02-01.

Conditions:
RYR1-related disorder. Also called: RYR1-related disorders; RYR1-related condition. Identifiers: MedGen CN239331.
Malignant hyperthermia, susceptibility to, 1 (MHS1). Also called: Anesthesia related hyperthermia; Malignant hyperpyrexia; Fulminating hyperpyrexia; Pharmacogenic myopathy; RYR1-Related Malignant Hyperthermia Susceptibility; Malignant hyperthermia suceptibility 1. Identifiers: Orphanet 423, MedGen C2930980, MONDO:0007783, OMIM 145600.

Allele frequency attached by ClinVar (database versions not stated): gnomAD exomes 0.00001 and 0.00004; ExAC 0.00004; gnomAD 0.00005; TOPMed 0.00008; 1000 Genomes Project 30x 0.00016; 1000 Genomes Project 0.00020.
gnomAD v4.1: 19 of 1,614,114 alleles (0.0012%); highest among the groups gnomAD compares: African/African-American, 0.016%; no homozygotes.

Submissions (4):

CeGaT Center for Human Genetics Tuebingen
Classification: Likely benign. Last evaluated: 2026-02-01. Review status: criteria provided, single submitter. Criteria: CeGaT Center For Human Genetics Tuebingen Variant Classification Criteria Version 2. Collection method: clinical testing. Allele origin: germline. Affected: yes. Observed: 1 variant allele.
Comment: RYR1: BP4, BP7

Labcorp Genetics (formerly Invitae), Labcorp
Classification: Likely benign for RYR1-related disorder. Last evaluated: 2024-07-12. Review status: criteria provided, single submitter. Criteria: Invitae Variant Classification Sherloc (09022015). Collection method: clinical testing. Allele origin: germline.

All of Us Research Program, National Institutes of Health
Classification: Likely benign for Malignant hyperthermia, susceptibility to, 1. Last evaluated: 2023-12-01. Review status: criteria provided, single submitter. Criteria: ACMG Guidelines, 2015. Collection method: clinical testing. Allele origin: germline. Inheritance: Autosomal dominant inheritance. Observed: 6 variant alleles, 6 heterozygotes.
Comment: This study involves interpretation of variants in research participants for the purpose of population health screening. Participant phenotype was not available at the time of variant classification. Additional details can be found in publication PMID: 35346344, PMCID: PMC8962531

Color Diagnostics, LLC DBA Color Health
Classification: Likely benign for Malignant hyperthermia, susceptibility to, 1. Last evaluated: 2022-11-06. Review status: criteria provided, single submitter. Criteria: ACMG Guidelines, 2015. Collection method: clinical testing. Allele origin: germline.

NM_000540.3(RYR1):c.4632C>T (p.Asn1544=)

Gene: RYR1 (ryanodine receptor 1; plus strand). Cytogenetic location: 19q13.2.
Variant type: single nucleotide variant.
Coding change: c.4632C>T on transcript NM_000540.3 (MANE Select); coding-DNA position 4632, C replaced by T.
Protein change: p.Asn1544=; no amino-acid change (asparagine 1544 retained).
Molecular consequence: synonymous variant.
Genome position (GRCh38, 1-based): chr19:38,483,038, C>T. VCF-style: chr19-38483038-C-T. GRCh37 (hg19) VCF-style: chr19-38973678-C-T.
Other names: c.4632C>T, p.Asn1544= (NM_001042723.2).
Identifiers: ClinVar variation 701688 (VCV000701688.15), dbSNP rs570920139, ClinGen allele CA066313.
Genomic context (GRCh38, chr19:38,483,038, plus strand): 5'-TCCCTCCAGCCCACCCGTTTGCTCACCTCGTCCTCTTCTCCTCTGCCAGGTGGAACCCAA[C>T]ACTAAGCTATTTCCTGCCGTCTTCGTCCTGCCCACCCACCAGAACGTCATCCAGTTTGAG-3'
Protein context (NP_000531.2, residues 1534-1554): ESNTFFQVEP[Asn1544=]TKLFPAVFVL